The following is an entry in ClinVar:

ClinVar aggregate classification (germline): Uncertain significance. Review status: criteria provided, multiple submitters, no conflicts (2 of 4 stars). 2 submissions from 2 submitters: Uncertain significance (2). Last evaluated 2019-09-19.

Conditions:
Hereditary breast ovarian cancer syndrome. Also called: Hereditary breast and ovarian cancer syndrome (HBOC); Hereditary breast and ovarian cancer syndrome; Breast and ovarian cancer; Hereditary breast and/or ovarian cancer syndrome; Hereditary breast and ovarian cancer; BRCA1- and BRCA2-Associated Hereditary Breast and Ovarian Cancer. Identifiers: Orphanet 145, MedGen C0677776, MeSH D061325, MONDO:0003582. Disease mechanism: loss of function.

Allele frequency attached by ClinVar (database versions not stated): gnomAD exomes below 0.00001.

Submissions (2):

GeneDx
Classification: Uncertain significance. Last evaluated: 2019-09-19. Review status: criteria provided, single submitter. Criteria: GeneDx Variant Classification Process June 2021. Collection method: clinical testing. Allele origin: germline. Affected: yes.
Comment: Not observed in large population cohorts (Lek 2016); In silico analysis, which includes splice predictors and evolutionary conservation, supports a deleterious effect; Has not been previously published as pathogenic or benign to our knowledge; Also known as BRCA2 9485-6T>G

Labcorp Genetics (formerly Invitae), Labcorp
Classification: Uncertain significance for Hereditary breast ovarian cancer syndrome. Last evaluated: 2017-01-30. Review status: criteria provided, single submitter. Criteria: Invitae Variant Classification Sherloc (09022015). Collection method: clinical testing. Allele origin: germline.
Comment: In summary, this is a novel intronic change with uncertain impact on splicing. It has been classified as a Variant of Uncertain Significance. Algorithms developed to predict the effect of nucleotide changes on RNA splicing suggest that this intronic variant may alter RNA splicing, but this prediction has not been confirmed by published transcriptional studies. This variant is not present in population databases (ExAC no frequency) and has not been reported in the literature in individuals with a BRCA2-related disease. This sequence change falls in intron 24 of the BRCA2 gene. It does not directly change the encoded amino acid sequence of the BRCA2 protein.

NM_000059.4(BRCA2):c.9257-6T>G

Gene: BRCA2 (BRCA2 DNA repair associated; plus strand). Cytogenetic location: 13q13.1.
Variant type: single nucleotide variant.
Coding change: c.9257-6T>G on transcript NM_000059.4 (MANE Select); 6 bases into the intron before coding-DNA position 9257, T replaced by G.
Molecular consequence: intron variant.
Genome position (GRCh38, 1-based): chr13:32,394,683, T>G. VCF-style: chr13-32394683-T-G. GRCh37 (hg19) VCF-style: chr13-32968820-T-G.
Identifiers: ClinVar variation 462519 (VCV000462519.10), dbSNP rs1555289488, ClinGen allele CA658656352.
Genomic context (GRCh38, chr13:32,394,683, plus strand): 5'-TTCTTGCATCTTAAAATTCATCTAACACATCTATAATAACATTCTTTTCTTTTTTTTCCA[T>G]TCTAGGACTTGCCCCTTTCGTCTATTTGTCAGACGAATGTTACAATTTACTGGCAATAAA-3'